The following is an entry in ClinVar:

ClinVar aggregate classification (germline): Uncertain significance. Review status: criteria provided, multiple submitters, no conflicts (2 of 4 stars). 2 submissions from 2 submitters: Uncertain significance (2). Last evaluated 2025-11-24.

Conditions:
Familial melanoma. Also called: Hereditary melanoma; Hereditary cutaneous melanoma. Identifiers: Orphanet 618, MedGen C1512419, MONDO:0018961.

Submissions (2):

Labcorp Genetics (formerly Invitae), Labcorp
Classification: Uncertain significance for Familial melanoma. Last evaluated: 2025-11-24. Review status: criteria provided, single submitter. Criteria: Invitae Variant Classification Sherloc (09022015). Collection method: clinical testing. Allele origin: germline.
Comment: This variant, c.11_16del, results in the deletion of 2 amino acid(s) of the CDKN2A (p16INK4a) protein (p.Ala4_Ala5del), but otherwise preserves the integrity of the reading frame. This variant is not present in population databases (gnomAD no frequency). This variant has not been reported in the literature in individuals affected with CDKN2A (p16INK4a)-related conditions. Experimental studies and prediction algorithms are not available or were not evaluated, and the functional significance of this variant is currently unknown. In summary, the available evidence is currently insufficient to determine the role of this variant in disease. Therefore, it has been classified as a Variant of Uncertain Significance.

GeneDx
Classification: Uncertain significance. Last evaluated: 2015-07-29. Review status: criteria provided, single submitter. Criteria: GeneDx Variant Classification (06012015). Collection method: clinical testing. Allele origin: germline. Affected: yes.
Comment: This deletion of 6 nucleotides in CDKN2A is denoted c.11_16delCGGCGG at the cDNA level and p.Ala4_Ala5del (A4_A5del) at the protein level, and results in the deletion of two Alanine residues of the p16 protein. The normal sequence, with the bases that are deleted in braces, is CCGG[CGGCGG]GGAG. This variant has not, to our knowledge, been published in the literature as pathogenic or benign. CDKN2A Ala4_Ala5del occurs in a region that is not conserved and is not located in a known functional domain (UniProt). Since in frame deletions may or may not inhibit proper protein functioning, the clinical significance of this finding remains unclear at this time and we consider CDKN2A Ala4_Ala5del to be a variant of uncertain significance.

NM_000077.5(CDKN2A):c.8CGG[1] (p.Ala4_Ala5del)

Genes: CDKN2A (cyclin dependent kinase inhibitor 2A; minus strand), LOC130001603 (ATAC-STARR-seq lymphoblastoid silent region 19811; plus strand). Cytogenetic location: 9p21.3.
Variant type: Microsatellite.
Coding change: c.8CGG[1] on transcript NM_000077.5; one copy of the 3-base unit CGG starting at c.8; the reference has three copies in a row; two copies, 6 bases deleted.
Protein change: p.Ala4_Ala5del.
Molecular consequence: inframe indel (on NM_000077.4). On other transcripts: inframe deletion (2), intron variant (2).
Genome position (GRCh38, 1-based): chr9:21,974,812-21,974,817, CCGCCG deleted on the plus strand (CGGCGG on the coding strand, the reverse complement: CDKN2A is on the minus strand); deleting any 6 consecutive bases within chr9:21,974,812-21,974,820 gives the same sequence; the position shown is the placement nearest the transcript's 3' end. VCF-style (leftmost placement, unchanged base first): chr9-21974811-CCCGCCG-C. GRCh37 (hg19) VCF-style: chr9-21974810-CCCGCCG-C.
Other names: c.11_16delCGGCGG (NM_000077.4); c.8_10CGG[1], p.Ala4_Ala5del (NM_000077.6); c.8CGG[1], p.Ala4_Ala5del (NM_001195132.2, NM_058197.5); c.-3-3609_-3-3604del (NM_001363763.2); c.194-3609_194-3604del (NM_058195.4).
Identifiers: ClinVar variation 419581 (VCV000419581.10), dbSNP rs1064793970, ClinGen allele CA16618837.